The following is an entry in ClinVar:

ClinVar aggregate classification (germline): Pathogenic. Review status: criteria provided, multiple submitters, no conflicts (2 of 4 stars). 4 submissions from 4 submitters: Pathogenic (4). Last evaluated 2024-07-26.

Conditions:
Exostoses, multiple, type 1 (EXT1). Also called: EXOSTOSES, MULTIPLE, TYPE I; Hereditary Multiple Osteochondromatosis, Type I. Identifiers: MedGen CN263289, MONDO:0007585, OMIM 133700.
Chondrosarcoma. Also called: Chondrosarcoma, somatic. Identifiers: Orphanet 55880, MedGen C0008479, MONDO:0008977, OMIM 215300, HP:0006765.
EXT1-related disorders.
Multiple congenital exostosis (EXT). Also called: Multiple osteochondromas; Multiple exostoses; Hereditary multiple exostoses; Hereditary multiple exostosis; MULTIPLE CARTILAGINOUS EXOSTOSES; Hereditary multiple osteochondromas. Identifiers: Orphanet 321, MedGen C0015306, MONDO:0005508, HP:0002762.

Submissions (4):

Labcorp Genetics (formerly Invitae), Labcorp
Classification: Pathogenic for Multiple congenital exostosis. Last evaluated: 2024-07-26. Review status: criteria provided, single submitter. Criteria: Invitae Variant Classification Sherloc (09022015). Collection method: clinical testing. Allele origin: germline.
Comment: This sequence change creates a premature translational stop signal (p.Leu490Trpfs*9) in the EXT1 gene. It is expected to result in an absent or disrupted protein product. Loss-of-function variants in EXT1 are known to be pathogenic (PMID: 10679937, 11391482, 19810120). This variant is not present in population databases (gnomAD no frequency). This premature translational stop signal has been observed in individuals with multiple exostoses (PMID: 10713884, 17301954). ClinVar contains an entry for this variant (Variation ID: 265130). For these reasons, this variant has been classified as Pathogenic.

Blueprint Genetics
Classification: Pathogenic for EXT1-related disorders. Last evaluated: 2018-11-28. Review status: criteria provided, single submitter. Criteria: ACMG Guidelines, 2015. Collection method: clinical testing. Allele origin: germline. Affected: yes. Observed: 1 variant allele.

GeneDx
Classification: Pathogenic. Last evaluated: 2015-10-12. Review status: criteria provided, single submitter. Criteria: GeneDx Variant Classification (06012015). Collection method: clinical testing. Allele origin: germline. Affected: yes.
Comment: The c.1468delC pathogenic variant in the EXT1 gene has been reported previously in association with hereditary multiple exostoses (Dobson-Stone et al., 2000; Signori et al., 2007; SarriÃ³n et al., 2013). The deletion causes a frameshift starting with codon Leucine 490, changes this amino acid to a Tryptophan residue and creates a premature Stop codon at position 9 of the new reading frame, denoted p.Leu490TrpfsX9. This pathogenic variant is predicted to cause loss of normal protein function either through protein truncation or nonsense-mediated mRNA decay. The c.1468delC variant was not observed in approximately 6,500 individuals of European and African American ancestry in the NHLBI Exome Sequencing Project, indicating it is not a common benign variant in these populations.

Juno Genomics, Hangzhou Juno Genomics, Inc
Classification: Pathogenic for Chondrosarcoma; Exostoses, multiple, type 1. Review status: criteria provided, single submitter. Criteria: ACMG Guidelines, 2015. Collection method: clinical testing. Allele origin: germline. Affected: yes.
Comment: Absent from controls (or at extremely low frequency if recessive) in Genome Aggregation Database, Exome Sequencing Project, 1000 Genomes Project, or Exome Aggregation Consortium.;Null variant in a gene where loss of function (LOF) is a known mechanism of disease.;The prevalence of the variant in affected individuals is significantly increased compared to the prevalence in controls.;Patient's phenotype or family history is highly specific for a disease with a single genetic etiology.

Literature cited by the submitters: PubMed 10679937 (cited by Labcorp Genetics (formerly Invitae), Labcorp); PubMed 11391482 (cited by Labcorp Genetics (formerly Invitae), Labcorp); PubMed 19810120 (cited by Labcorp Genetics (formerly Invitae), Labcorp); PubMed 10713884 (cited by Labcorp Genetics (formerly Invitae), Labcorp); PubMed 17301954 (cited by Labcorp Genetics (formerly Invitae), Labcorp).

NM_000127.3(EXT1):c.1468del (p.Leu490fs)

Gene: EXT1 (exostosin glycosyltransferase 1; minus strand). Cytogenetic location: 8q24.11.
Variant type: Deletion.
Coding change: c.1468del on transcript NM_000127.3 (MANE Select); coding-DNA position 1468, one base deleted (C; older notation c.1468delC).
Protein change: p.Leu490fs; shifts the reading frame from leucine 490.
Molecular consequence: frameshift variant.
Genome position (GRCh38, 1-based): chr8:117,819,744, G deleted on the plus strand (C on the coding strand, the reverse complement: EXT1 is on the minus strand); the first of 6 consecutive G bases (chr8:117,819,744-117,819,749); deleting any one gives the same sequence. VCF-style (leftmost placement, unchanged base first): chr8-117819743-AG-A. GRCh37 (hg19) VCF-style: chr8-118831982-AG-A.
Other names: c.1468delC (NM_000127.2); short protein forms L490fs.
Identifiers: ClinVar variation 265130 (VCV000265130.13), dbSNP rs886039355, ClinGen allele CA10588448.
Genomic context (GRCh38, chr8:117,819,743, plus strand): 5'-CAGTACTGGGACTTGGCTGCAGCCACGAGAAGCTTCAACACTGGCTGGGACTGAGAGACC[AG>A]GGGGGTCACCGCATGGATGACTGCAGTGAATTTGGAGGGGGGCTTTAAACCTGAAATAAA-3'